The following is an entry in ClinVar:

NM_002180.3(IGHMBP2):c.1236-6G>A

Gene: IGHMBP2 (immunoglobulin mu DNA binding protein 2; plus strand). Cytogenetic location: 11q13.3.
Variant type: single nucleotide variant.
Coding change: c.1236-6G>A on transcript NM_002180.3 (MANE Select); 6 bases into the intron before coding-DNA position 1236, G replaced by A.
Molecular consequence: intron variant.
Genome position (GRCh38, 1-based): chr11:68,933,293, G>A. VCF-style: chr11-68933293-G-A. GRCh37 (hg19) VCF-style: chr11-68700761-G-A.
Identifiers: ClinVar variation 385061 (VCV000385061.15), dbSNP rs201538340, ClinGen allele CA6153582.

ClinVar aggregate classification (germline): Conflicting classifications of pathogenicity. Review status: criteria provided, conflicting classifications (1 of 4 stars). 4 submissions from 4 submitters: Uncertain significance (1); Likely benign (2). 1 of the submissions does not count toward it. Last evaluated 2026-01-21.

Conditions:
Charcot-Marie-Tooth disease axonal type 2S. Also called: CHARCOT-MARIE-TOOTH DISEASE, AXONAL, AUTOSOMAL RECESSIVE, TYPE 2S; CHARCOT-MARIE-TOOTH NEUROPATHY, TYPE 2S. Identifiers: Orphanet 443073, MedGen C4015349, MONDO:0014511, OMIM 616155.
Autosomal recessive distal spinal muscular atrophy 1. Also called: NEURONOPATHY, DISTAL HEREDITARY MOTOR, HARDING TYPE VI; NEUROPATHY, DISTAL HEREDITARY MOTOR, AUTOSOMAL RECESSIVE 1; SEVERE INFANTILE AXONAL NEUROPATHY WITH RESPIRATORY FAILURE; SPINAL MUSCULAR ATROPHY, DIAPHRAGMATIC; Spinal muscular atrophy with respiratory distress 1; NEURONOPATHY, SEVERE INFANTILE AXONAL, WITH RESPIRATORY FAILURE. Identifiers: Orphanet 98920, MedGen C1858517, MONDO:0011436, OMIM 604320.
Charcot-Marie-Tooth disease. Also called: Charcot-Marie-Tooth Hereditary Neuropathy; Charcot-Marie-Tooth Neuropathy. Identifiers: Orphanet 166, MedGen C0007959, MONDO:0015626.
Inborn genetic diseases. Identifiers: MedGen C0950123, MeSH D030342.

Allele frequency attached by ClinVar (database versions not stated): gnomAD 0.00003; TOPMed 0.00009.
gnomAD v4.1: 139 of 1,610,804 alleles (0.0086%); highest among the groups gnomAD compares: Non-Finnish European, 0.0098%; 1 homozygote.

Submissions (4):

Labcorp Genetics (formerly Invitae), Labcorp
Classification: Likely benign for Autosomal recessive distal spinal muscular atrophy 1; Charcot-Marie-Tooth disease axonal type 2S. Last evaluated: 2026-01-21. Review status: criteria provided, single submitter. Criteria: Invitae Variant Classification Sherloc (09022015). Collection method: clinical testing. Allele origin: germline.

Ambry Genetics
Classification: Uncertain significance for Inborn genetic diseases. Last evaluated: 2021-05-05. Review status: criteria provided, single submitter. Criteria: Ambry Variant Classification Scheme 2023. Collection method: clinical testing. Allele origin: germline.
Comment: The c.1236-6G>A intronic variant results from a G to A substitution 6 nucleotides upstream from coding exon 9 in the IGHMBP2 gene. This nucleotide position is not well conserved in available vertebrate species. In silico splice site analysis predicts that this alteration will not have any significant effect on splicing. Since supporting evidence is limited at this time, the clinical significance of this alteration remains unclear.

GeneDx
Classification: Likely benign. Last evaluated: 2018-10-30. Review status: criteria provided, single submitter. Criteria: GeneDx Variant Classification Process June 2021. Collection method: clinical testing. Allele origin: germline. Affected: yes.

Genesis Genome Database
Classification: Uncertain significance for Charcot-Marie-Tooth disease. Last evaluated: 2019-08-14. Review status: no assertion criteria provided. Collection method: research. Allele origin: germline. Affected: yes. Not counted in ClinVar's aggregate classification.